The following is an entry in ClinVar:

ClinVar aggregate classification (germline): Uncertain significance (1 of 4 stars; one submission).

Conditions:
HYPERHOMOCYSTEINEMIA, THROMBOTIC, CBS-RELATED. Identifiers: MedGen C3150344, OMIM 236200.

Allele frequency attached by ClinVar (database versions not stated): gnomAD exomes 0.00001.

Submission:

Labcorp Genetics (formerly Invitae), Labcorp
Classification: Uncertain significance for HYPERHOMOCYSTEINEMIA, THROMBOTIC, CBS-RELATED. Last evaluated: 2022-03-30. Review status: criteria provided, single submitter. Criteria: Invitae Variant Classification Sherloc (09022015). Collection method: clinical testing. Allele origin: germline.
Comment: This sequence change replaces glycine, which is neutral and non-polar, with serine, which is neutral and polar, at codon 100 of the CBS protein (p.Gly100Ser). This variant is present in population databases (no rsID available, gnomAD 0.003%). This variant has not been reported in the literature in individuals affected with CBS-related conditions. Algorithms developed to predict the effect of missense changes on protein structure and function are either unavailable or do not agree on the potential impact of this missense change (SIFT: "Deleterious"; PolyPhen-2: "Probably Damaging"; Align-GVGD: "Class C0"). In summary, the available evidence is currently insufficient to determine the role of this variant in disease. Therefore, it has been classified as a Variant of Uncertain Significance.

NM_000071.3(CBS):c.298G>A (p.Gly100Ser)

Gene: CBS (cystathionine beta-synthase; minus strand). Cytogenetic location: 21q22.3.
Variant type: single nucleotide variant.
Coding change: c.298G>A on transcript NM_000071.3 (MANE Select); coding-DNA position 298, G replaced by A.
Protein change: p.Gly100Ser; replaces glycine 100 with serine.
Molecular consequence: missense variant.
Genome position (GRCh38, 1-based): chr21:43,068,527, C>T on the plus strand (G>A on the coding strand, the complement: CBS is on the minus strand). VCF-style: chr21-43068527-C-T. GRCh37 (hg19) VCF-style: chr21-44488637-C-T.
Other names: c.298G>A, p.Gly100Ser (NM_001178008.3, NM_001178009.3, NM_001320298.2); short protein forms G100S.
Identifiers: ClinVar variation 2044292 (VCV002044292.1), dbSNP rs1310019343, ClinGen allele CA410602016.